The following is an entry in ClinVar:

NM_001122764.3(PPOX):c.807+2T>C

Gene: PPOX (protoporphyrinogen oxidase; plus strand). Cytogenetic location: 1q23.3.
Variant type: single nucleotide variant.
Coding change: c.807+2T>C on transcript NM_001122764.3 (MANE Select); the canonical splice donor site of the intron after coding-DNA position 807, T replaced by C.
Molecular consequence: splice donor variant.
Genome position (GRCh38, 1-based): chr1:161,169,185, T>C. VCF-style: chr1-161169185-T-C. GRCh37 (hg19) VCF-style: chr1-161138975-T-C.
Other names: c.321+2T>C (NM_001350130.2, NM_001350131.2, NM_001365401.1); c.708+2T>C (NM_001350128.2); c.399+2T>C (NM_001350129.2, NM_001365400.1); c.807+2T>C (NM_001365399.1, NM_000309.5, NM_001365398.1).
Identifiers: ClinVar variation 1066337 (VCV001066337.9), dbSNP rs1660225013, ClinGen allele CA343355239.

ClinVar aggregate classification (germline): Likely pathogenic (1 of 4 stars; one submission).

Submission:

Labcorp Genetics (formerly Invitae), Labcorp
Classification: Likely pathogenic. Last evaluated: 2024-10-22. Review status: criteria provided, single submitter. Criteria: Invitae Variant Classification Sherloc (09022015). Collection method: clinical testing. Allele origin: germline.
Comment: This sequence change affects a donor splice site in intron 7 of the PPOX gene. It is expected to disrupt RNA splicing. Variants that disrupt the donor or acceptor splice site typically lead to a loss of protein function (PMID: 16199547), and loss-of-function variants in PPOX are known to be pathogenic (PMID: 10486317). This variant is not present in population databases (gnomAD no frequency). Disruption of this splice site has been observed in individual(s) with variegate porphyria (PMID: 10486317). ClinVar contains an entry for this variant (Variation ID: 1066337). Algorithms developed to predict the effect of sequence changes on RNA splicing suggest that this variant may disrupt the consensus splice site. In summary, the currently available evidence indicates that the variant is pathogenic, but additional data are needed to prove that conclusively. Therefore, this variant has been classified as Likely Pathogenic.

Literature cited by the submitters: PubMed 16199547; PubMed 10486317.